The following is an entry in ClinVar:

ClinVar aggregate classification (germline): Uncertain significance. Review status: criteria provided, multiple submitters, no conflicts (2 of 4 stars). 3 submissions from 3 submitters: Uncertain significance (3). Last evaluated 2025-04-24.

Conditions:
Autosomal recessive limb-girdle muscular dystrophy type 2L (LGMDR12). Also called: MUSCULAR DYSTROPHY, LIMB-GIRDLE, AUTOSOMAL RECESSIVE 12; Limb-girdle muscular dystrophy, type 2L; Limb-Girdle Muscular Dystrophy R12 Anoctamin-5-Related (LGMD-R12). Identifiers: Orphanet 206549, MedGen C1969785, MONDO:0012652, OMIM 611307.
Gnathodiaphyseal dysplasia (GDD). Also called: GNATHODIAPHYSEAL SCLEROSIS; OSTEOGENESIS IMPERFECTA WITH UNUSUAL SKELETAL LESIONS. Identifiers: Orphanet 53697, MedGen C1833736, MONDO:0008151, OMIM 166260.
Inborn genetic diseases. Identifiers: MedGen C0950123, MeSH D030342.

Allele frequency attached by ClinVar (database versions not stated): ExAC 0.00004; gnomAD exomes 0.00004 and 0.00003; gnomAD 0.00001 and 0.00002; TOPMed 0.00002.
gnomAD v4.1: 66 of 1,611,984 alleles (0.0041%); highest among the groups gnomAD compares: Non-Finnish European, 0.0049%; no homozygotes.

Submissions (3):

Revvity Omics, Revvity
Classification: Uncertain significance. Last evaluated: 2025-04-24. Review status: criteria provided, single submitter. Criteria: ACMG Guidelines, 2015. Collection method: clinical testing. Allele origin: germline.

Labcorp Genetics (formerly Invitae), Labcorp
Classification: Uncertain significance for Autosomal recessive limb-girdle muscular dystrophy type 2L; Gnathodiaphyseal dysplasia. Last evaluated: 2024-08-18. Review status: criteria provided, single submitter. Criteria: Invitae Variant Classification Sherloc (09022015). Collection method: clinical testing. Allele origin: germline.
Comment: This sequence change replaces methionine, which is neutral and non-polar, with valine, which is neutral and non-polar, at codon 46 of the ANO5 protein (p.Met46Val). This variant is present in population databases (rs537770163, gnomAD 0.005%). This variant has not been reported in the literature in individuals affected with ANO5-related conditions. ClinVar contains an entry for this variant (Variation ID: 568817). An algorithm developed to predict the effect of missense changes on protein structure and function outputs the following: PolyPhen-2: "Benign". The valine amino acid residue is found in multiple mammalian species, which suggests that this missense change does not adversely affect protein function. In summary, the available evidence is currently insufficient to determine the role of this variant in disease. Therefore, it has been classified as a Variant of Uncertain Significance.

Ambry Genetics
Classification: Uncertain significance for Inborn genetic diseases. Last evaluated: 2024-07-14. Review status: criteria provided, single submitter. Criteria: Ambry Variant Classification Scheme 2023. Collection method: clinical testing. Allele origin: germline.

NM_213599.3(ANO5):c.136A>G (p.Met46Val)

Gene: ANO5 (anoctamin 5; plus strand). Cytogenetic location: 11p14.3.
Variant type: single nucleotide variant.
Coding change: c.136A>G on transcript NM_213599.3 (MANE Select); coding-DNA position 136, A replaced by G.
Protein change: p.Met46Val; replaces methionine 46 with valine.
Molecular consequence: missense variant.
Genome position (GRCh38, 1-based): chr11:22,211,312, A>G. VCF-style: chr11-22211312-A-G. GRCh37 (hg19) VCF-style: chr11-22232858-A-G.
Other names: c.133A>G, p.Met45Val (NM_001142649.2); short protein forms M46V, M45V.
Identifiers: ClinVar variation 568817 (VCV000568817.13), dbSNP rs537770163, ClinGen allele CA5922789.